The following is an entry in ClinVar:

NM_016120.4(RLIM):c.74G>T (p.Arg25Leu)

Gene: RLIM (ring finger protein, LIM domain interacting; minus strand). Cytogenetic location: Xq13.2.
Variant type: single nucleotide variant.
Coding change: c.74G>T on transcript NM_016120.4 (MANE Select); coding-DNA position 74, G replaced by T.
Protein change: p.Arg25Leu; replaces arginine 25 with leucine.
Molecular consequence: missense variant.
Genome position (GRCh38, 1-based): chrX:74,595,904, C>A on the plus strand (G>T on the coding strand, the complement: RLIM is on the minus strand). VCF-style: chrX-74595904-C-A. GRCh37 (hg19) VCF-style: chrX-73815739-C-A.
Other names: c.74G>T, p.Arg25Leu (NM_183353.3); short protein forms R25L.
Identifiers: ClinVar variation 2500702 (VCV002500702.3), dbSNP rs2079637855, ClinGen allele CA413665581.
Genomic context (GRCh38, chrX:74,595,904, plus strand): 5'-CTATAATCTTCTTCACTCAGGTTATTTACAAATTGATAGAAAGCTTCTTCTCGATCCAAT[C>A]GGTCCATCTGACTTCTGCGCTGTGCTGCAGACTGATCACCACTTCCTTTGTCATTGGAAT-3'
Protein context (NP_057204.2, residues 15-35): SAAQRRSQMD[Arg25Leu]LDREEAFYQF

ClinVar aggregate classification (germline): Uncertain significance (1 of 4 stars; one submission).

Conditions:
Intellectual disability, X-linked 61 (TOKAS). Also called: TONNE-KALSCHEUER SYNDROME. Identifiers: MedGen C4283894, MONDO:0010506, OMIM 300978.

Submission:

Victorian Clinical Genetics Services, Murdoch Childrens Research Institute
Classification: Uncertain significance for Intellectual disability, X-linked 61. Last evaluated: 2021-05-06. Review status: criteria provided, single submitter. Criteria: ACMG Guidelines, 2015. Collection method: clinical testing. Allele origin: germline. Inheritance: X-linked inheritance. Affected: yes.
Comment: Based on the classification scheme VCGS_Germline_v1.3.4, this variant is classified as VUS-3A. Following criteria are met: 0105 - The mechanism of disease for this gene is not clearly established. In vitro studies have shown both gain and loss of function in terms of ubiquitination actitvity, depending on variant location. However, in vivo studies have suggested LoF based on the inability of mutants to rescue the phenotype in animal models. (PMID: 29728705). (I) 0109 - This gene is associated with X-linked disease. Most affected patients are males, with females being mildly affected and showed evidence for highly skewed X inactivation (OMIM). (I) 0115 - Variants in this gene are known to have variable expressivity. While all affected males had intellectual disability, they all had variable behavioural anomalies with or without congenital malformations (PMID: 29728705). (I) 0200 - Variant is predicted to result in a missense amino acid change from arginine to leucine (I) 0251 - This variant is heterozygous. (I) 0301 - Variant is absent from gnomAD (both v2 and v3). (SP) 0501 - Missense variant consistently predicted to be damaging by multiple in silico tools or highly conserved with a major amino acid change. (SP) 0603 - Missense variant in a region that is highly intolerant to missense variation (high constraint region in gnomAD). (SP) 0705 - No comparable missense variants have previous evidence for pathogenicity. (I) 0807 - This variant has no previous evidence of pathogenicity. (I) 0905 - No published segregation evidence has been identified for this variant. (I) 1007 - No published functional evidence has been identified for this variant. (SP) Legend: (SP) - Supporting pathogenic, (I) - Information, (SB) - Supporting benign

Literature cited by the submitters: PubMed 29728705.